The following is an entry in ClinVar:

ClinVar aggregate classification (germline): Uncertain significance (1 of 4 stars; one submission).

Conditions:
Muscle AMP deaminase deficiency (MMDD). Also called: Myoadenylate deaminase deficiency, myopathy due to; Adenosine monophosphate deaminase 1 deficiency; AMP deaminase 1 deficiency; Adenosine Monophosphate Deaminase 1; AMPD1 DEFICIENCY; ADENOSINE MONOPHOSPHATE DEAMINASE-1 DEFICIENCY, MYOPATHY DUE TO. Identifiers: Orphanet 45, MedGen C3714933, MONDO:0014220, OMIM 615511.

Allele frequency attached by ClinVar (database versions not stated): gnomAD exomes below 0.00001.
gnomAD v4.1: 2 of 1,613,748 alleles (0.00012%); highest among the groups gnomAD compares: Admixed American, 0.0017%; no homozygotes.

Submission:

Labcorp Genetics (formerly Invitae), Labcorp
Classification: Uncertain significance for Muscle AMP deaminase deficiency. Last evaluated: 2022-03-14. Review status: criteria provided, single submitter. Criteria: Invitae Variant Classification Sherloc (09022015). Collection method: clinical testing. Allele origin: germline.
Comment: This sequence change replaces glycine, which is neutral and non-polar, with arginine, which is basic and polar, at codon 775 of the AMPD1 protein (p.Gly775Arg). In summary, the available evidence is currently insufficient to determine the role of this variant in disease. Therefore, it has been classified as a Variant of Uncertain Significance. Algorithms developed to predict the effect of missense changes on protein structure and function are either unavailable or do not agree on the potential impact of this missense change (SIFT: "Tolerated"; PolyPhen-2: "Probably Damaging"; Align-GVGD: "Class C0"). This variant has not been reported in the literature in individuals affected with AMPD1-related conditions. This variant is not present in population databases (gnomAD no frequency).

NM_000036.3(AMPD1):c.2224G>C (p.Gly742Arg)

Gene: AMPD1 (adenosine monophosphate deaminase 1; minus strand). Cytogenetic location: 1p13.2.
Variant type: single nucleotide variant.
Coding change: c.2224G>C on transcript NM_000036.3 (MANE Select); coding-DNA position 2224, G replaced by C.
Protein change: p.Gly742Arg; replaces glycine 742 with arginine.
Molecular consequence: missense variant.
Genome position (GRCh38, 1-based): chr1:114,673,134, C>G on the plus strand (G>C on the coding strand, the complement: AMPD1 is on the minus strand). VCF-style: chr1-114673134-C-G. GRCh37 (hg19) VCF-style: chr1-115215755-C-G.
Other names: c.2212G>C, p.Gly738Arg (NM_001172626.2); short protein forms G742R, G738R.
Identifiers: ClinVar variation 2111786 (VCV002111786.4), dbSNP rs2526333843, ClinGen allele CA341742218.
Genomic context (GRCh38, chr1:114,673,134, plus strand): 5'-ATGAAATTCTCACTCATATTATTATTTGGTTTACTTTTTTTTATTCTGTTGATTTAAGAC[C>G]CTCAGCAATTAAATTGAGTTCATAACACCAGGTTTCATAGCGATAGGCCATGCGGATTTG-3'
Protein context (NP_000027.3, residues 732-747): WCYELNLIAE[Gly742Arg]LKSTE